The following is an entry in ClinVar:

ClinVar aggregate classification (germline): Uncertain significance (1 of 4 stars; one submission).

Submission:

Labcorp Genetics (formerly Invitae), Labcorp
Classification: Uncertain significance. Last evaluated: 2023-08-04. Review status: criteria provided, single submitter. Criteria: Invitae Variant Classification Sherloc (09022015). Collection method: clinical testing. Allele origin: germline.
Comment: ClinVar contains an entry for this variant (Variation ID: 2101217). In summary, the available evidence is currently insufficient to determine the role of this variant in disease. Therefore, it has been classified as a Variant of Uncertain Significance. Advanced modeling of protein sequence and biophysical properties (such as structural, functional, and spatial information, amino acid conservation, physicochemical variation, residue mobility, and thermodynamic stability) performed at Invitae indicates that this missense variant is not expected to disrupt COL4A3 protein function. This variant has not been reported in the literature in individuals affected with COL4A3-related conditions. This variant is not present in population databases (gnomAD no frequency). This sequence change replaces threonine, which is neutral and polar, with serine, which is neutral and polar, at codon 855 of the COL4A3 protein (p.Thr855Ser).

NM_000091.5(COL4A3):c.2564C>G (p.Thr855Ser)

Genes: COL4A3 (collagen type IV alpha 3 chain; plus strand), MFF-DT (MFF divergent transcript; minus strand). Cytogenetic location: 2q36.3.
Variant type: single nucleotide variant.
Coding change: c.2564C>G on transcript NM_000091.5 (MANE Select); coding-DNA position 2564, C replaced by G.
Protein change: p.Thr855Ser; replaces threonine 855 with serine.
Molecular consequence: missense variant.
Genome position (GRCh38, 1-based): chr2:227,282,440, C>G. VCF-style: chr2-227282440-C-G. GRCh37 (hg19) VCF-style: chr2-228147156-C-G.
Other names: short protein forms T855S.
Identifiers: ClinVar variation 2101217 (VCV002101217.4), dbSNP rs1574782610, ClinGen allele CA350850373.